The following is an entry in ClinVar:

NM_001378454.1(ALMS1):c.11083del (p.Ser3695fs)

Gene: ALMS1 (ALMS1 centrosome and basal body associated protein; plus strand). Cytogenetic location: 2p13.1.
Variant type: Deletion.
Coding change: c.11083del on transcript NM_001378454.1 (MANE Select); coding-DNA position 11083, one base deleted (A; older notation c.11083delA).
Protein change: p.Ser3695fs; shifts the reading frame from serine 3695.
Molecular consequence: frameshift variant.
Genome position (GRCh38, 1-based): chr2:73,572,960, A deleted; the last of 7 consecutive A bases (chr2:73,572,954-73,572,960); deleting any one gives the same sequence. VCF-style (leftmost placement, unchanged base first): chr2-73572953-TA-T. GRCh37 (hg19) VCF-style: chr2-73800080-TA-T.
Other names: c.11086del, p.Ser3696fs (NM_015120.4); c.11080delA (NM_015120.4); c.11086delA (NM_015120.4); short protein forms S3696fs, S3695fs.
Identifiers: ClinVar variation 556993 (VCV000556993.8), dbSNP rs1412574975, ClinGen allele CA427024591.

ClinVar aggregate classification (germline): Pathogenic/Likely pathogenic. Review status: criteria provided, multiple submitters, no conflicts (2 of 4 stars). 6 submissions from 6 submitters: Pathogenic (1); Likely pathogenic (2). 3 of the submissions do not count toward it. Last evaluated 2025-11-10.

Conditions:
ALMS1-related disorder. Also called: ALMS1-related condition.
Alstrom syndrome (ALMS). Identifiers: Orphanet 64, MedGen C0268425, MONDO:0008763, OMIM 203800.

Submissions (6):

Natera, Inc.
Classification: Likely pathogenic for Alstrom syndrome. Last evaluated: 2025-11-10. Review status: criteria provided, single submitter. Criteria: Natera Variant Classification Schema (03/2026). Collection method: clinical testing. Allele origin: germline.
Comment: The c.11086del variant in ALMS1 is a frameshift variant predicted to shift the reading frame beginning at codon 3696 and leads to a stop codon 27 codons downstream. This variant is expected to result in nonsense mediated decay, truncation, or a dysfunctional protein product. This variant is rare in the general population with a frequency below the threshold expected for the associated phenotype(s). Given the available evidence, this variant is classified as Likely Pathogenic.

Labcorp Genetics (formerly Invitae), Labcorp
Classification: Pathogenic for Alstrom syndrome. Last evaluated: 2023-12-18. Review status: criteria provided, single submitter. Criteria: Invitae Variant Classification Sherloc (09022015). Collection method: clinical testing. Allele origin: germline.
Comment: This sequence change creates a premature translational stop signal (p.Ser3696Alafs*27) in the ALMS1 gene. It is expected to result in an absent or disrupted protein product. Loss-of-function variants in ALMS1 are known to be pathogenic (PMID: 17594715). This variant is not present in population databases (gnomAD no frequency). This variant has not been reported in the literature in individuals affected with ALMS1-related conditions. ClinVar contains an entry for this variant (Variation ID: 556993). For these reasons, this variant has been classified as Pathogenic.

Blueprint Genetics
Classification: Likely pathogenic for ALMS1-related disorders. Last evaluated: 2022-07-27. Review status: criteria provided, single submitter. Criteria: ACMG Guidelines, 2015. Collection method: clinical testing. Allele origin: germline. Affected: yes. Observed: 2 variant alleles.

PreventionGenetics, part of Exact Sciences
Classification: Likely pathogenic for ALMS1-related condition. Last evaluated: 2024-02-15. Review status: no assertion criteria provided. Collection method: clinical testing. Allele origin: germline. Not counted in ClinVar's aggregate classification.
Comment: The ALMS1 c.11080delA variant is predicted to result in a frameshift and premature protein termination (p.Ser3694Alafs*27). To our knowledge this variant was not reported in the literature or in a large population database, indicating this variant is rare. Frameshift variants in ALMS1 are expected to be pathogenic. This variant is interpreted as likely pathogenic.

Gharavi Laboratory, Columbia University
Classification: Uncertain significance. Last evaluated: 2018-09-16. Review status: no assertion criteria provided. Criteria: ACMG Guidelines, 2015. Collection method: research. Allele origin: germline. Affected: yes. Not counted in ClinVar's aggregate classification.

Counsyl
Classification: Likely pathogenic for Alstrom syndrome. Last evaluated: 2018-03-07. Review status: no assertion criteria provided. Collection method: clinical testing. Allele origin: unknown. Not counted in ClinVar's aggregate classification.

Literature cited by the submitters: PubMed 17594715 (cited by Labcorp Genetics (formerly Invitae), Labcorp).